The following continues an entry in ClinVar:

NM_004004.6(GJB2):c.-22-2A>C

Gene: GJB2. ClinVar aggregate classification (germline): Likely pathogenic. Likely pathogenic (1).

Submissions 28 to 34 of 34:

Dr. Peter K. Rogan Lab, Western University
No classification provided (evidence only). Condition: Clear cell carcinoma of kidney. Review status: no classification provided. Collection method: in vitro. Allele origin: not applicable. Functional consequence: retained intron. Not counted in ClinVar's aggregate classification.

Dr. Peter K. Rogan Lab, Western University
No classification provided (evidence only). Condition: Melanoma. Review status: no classification provided. Collection method: in vitro. Allele origin: not applicable. Functional consequence: retained intron. Not counted in ClinVar's aggregate classification.

Dr. Peter K. Rogan Lab, Western University
No classification provided (evidence only). Condition: Cervical cancer. Review status: no classification provided. Collection method: in vitro. Allele origin: not applicable. Functional consequence: retained intron. Not counted in ClinVar's aggregate classification.

Dr. Peter K. Rogan Lab, Western University
No classification provided (evidence only). Condition: Sarcoma. Review status: no classification provided. Collection method: in vitro. Allele origin: not applicable. Functional consequence: retained intron. Not counted in ClinVar's aggregate classification.

Dr. Peter K. Rogan Lab, Western University
No classification provided (evidence only). Condition: Sarcoma. Review status: no classification provided. Collection method: in vitro. Allele origin: not applicable. Functional consequence: retained intron. Not counted in ClinVar's aggregate classification.

Dr. Peter K. Rogan Lab, Western University
No classification provided (evidence only). Condition: Hepatocellular carcinoma. Review status: no classification provided. Collection method: in vitro. Allele origin: not applicable. Functional consequence: retained intron. Not counted in ClinVar's aggregate classification.

Dr. Peter K. Rogan Lab, Western University
No classification provided (evidence only). Condition: Nonpapillary renal cell carcinoma. Review status: no classification provided. Collection method: in vitro. Allele origin: not applicable. Functional consequence: retained intron. Not counted in ClinVar's aggregate classification.

Literature cited by the submitters: PubMed 24039984 (cited by 8 submitters); PubMed 25401782 (cited by 7 submitters); PubMed 27057829 (cited by Women's Health and Genetics/Laboratory Corporation of America, LabCorp); PubMed 26778469 (cited by 4 submitters); PubMed 33096615 (cited by 3 submitters); PubMed 29986705 (cited by Women's Health and Genetics/Laboratory Corporation of America, LabCorp and Athena Diagnostics); PubMed 34062854 (cited by 3 submitters); PubMed 35864128 (cited by 3 submitters); PubMed 34652575 (cited by Women's Health and Genetics/Laboratory Corporation of America, LabCorp and Equipe Genetique des Anomalies du Developpement, Université de Bourgogne); PubMed 31195736 (cited by Women's Health and Genetics/Laboratory Corporation of America, LabCorp); PubMed 38868966 (cited by Women's Health and Genetics/Laboratory Corporation of America, LabCorp); PubMed 29311818 (cited by Labcorp Genetics (formerly Invitae), Labcorp); PubMed 19814620 (cited by 3 submitters); PubMed 17576681 (cited by Labcorp Genetics (formerly Invitae), Labcorp); PubMed 9536098 (cited by Labcorp Genetics (formerly Invitae), Labcorp); PubMed 29754767 (cited by Athena Diagnostics); PubMed 12792423 (cited by Victorian Clinical Genetics Services, Murdoch Childrens Research Institute); PubMed 28428247 (cited by Victorian Clinical Genetics Services, Murdoch Childrens Research Institute); PubMed 31053783 (cited by Victorian Clinical Genetics Services, Murdoch Childrens Research Institute); PubMed 31160754 (cited by Victorian Clinical Genetics Services, Murdoch Childrens Research Institute); PubMed 20301449 (cited by Victorian Clinical Genetics Services, Murdoch Childrens Research Institute).